The following is an entry in ClinVar:

NM_001347721.2(DYRK1A):c.2141C>A (p.Ser714Tyr)

Gene: DYRK1A (dual specificity tyrosine phosphorylation regulated kinase 1A; plus strand). Cytogenetic location: 21q22.13.
Variant type: single nucleotide variant.
Coding change: c.2141C>A on transcript NM_001347721.2 (MANE Select); coding-DNA position 2141, C replaced by A.
Protein change: p.Ser714Tyr; replaces serine 714 with tyrosine.
Molecular consequence: missense variant. On other transcripts: 3 prime UTR variant (2).
Genome position (GRCh38, 1-based): chr21:37,512,407, C>A. VCF-style: chr21-37512407-C-A. GRCh37 (hg19) VCF-style: chr21-38884710-C-A.
Other names: c.2141C>A, p.Ser714Tyr (NM_001347722.2, NM_130436.2); c.2054C>A, p.Ser685Tyr (NM_001347723.2); c.2168C>A, p.Ser723Tyr (NM_001396.5); c.*544C>A (NM_101395.2); c.*453C>A (NM_130438.2); short protein forms S723Y, S685Y, S714Y.
Identifiers: ClinVar variation 1513829 (VCV001513829.8), dbSNP rs572876706, ClinGen allele CA409941251.

ClinVar aggregate classification (germline): Uncertain significance (1 of 4 stars; one submission).

Conditions:
DYRK1A-related intellectual disability syndrome (MRD7). Also called: Intellectual developmental disorder, autosomal dominant 7; DYRK1A Syndrome. Identifiers: Orphanet 464306, MedGen C5568143, MONDO:0013578, OMIM 614104.

Submission:

Labcorp Genetics (formerly Invitae), Labcorp
Classification: Uncertain significance for DYRK1A-related intellectual disability syndrome. Last evaluated: 2023-01-17. Review status: criteria provided, single submitter. Criteria: Invitae Variant Classification Sherloc (09022015). Collection method: clinical testing. Allele origin: germline.
Comment: In summary, the available evidence is currently insufficient to determine the role of this variant in disease. Therefore, it has been classified as a Variant of Uncertain Significance. Algorithms developed to predict the effect of missense changes on protein structure and function are either unavailable or do not agree on the potential impact of this missense change (SIFT: "Deleterious"; PolyPhen-2: "Benign"; Align-GVGD: "Class C15"). ClinVar contains an entry for this variant (Variation ID: 1513829). This variant has not been reported in the literature in individuals affected with DYRK1A-related conditions. This variant is not present in population databases (gnomAD no frequency). This sequence change replaces serine, which is neutral and polar, with tyrosine, which is neutral and polar, at codon 723 of the DYRK1A protein (p.Ser723Tyr).